The following is an entry in ClinVar:

ClinVar aggregate classification (germline): Uncertain significance (1 of 4 stars; one submission).

Allele frequency attached by ClinVar (database versions not stated): gnomAD exomes below 0.00001; ExAC 0.00001.
gnomAD v4.1: 2 of 1,608,752 alleles (0.00012%); highest among the groups gnomAD compares: Admixed American, 0.0034%; no homozygotes.

Submission:

Labcorp Genetics (formerly Invitae), Labcorp
Classification: Uncertain significance. Last evaluated: 2021-12-29. Review status: criteria provided, single submitter. Criteria: Invitae Variant Classification Sherloc (09022015). Collection method: clinical testing. Allele origin: germline.
Comment: In summary, the available evidence is currently insufficient to determine the role of this variant in disease. Therefore, it has been classified as a Variant of Uncertain Significance. Algorithms developed to predict the effect of missense changes on protein structure and function (SIFT, PolyPhen-2, Align-GVGD) all suggest that this variant is likely to be tolerated. This variant has not been reported in the literature in individuals affected with NLRP1-related conditions. This variant is present in population databases (rs780401839, gnomAD 0.006%). This sequence change replaces serine, which is neutral and polar, with glycine, which is neutral and non-polar, at codon 780 of the NLRP1 protein (p.Ser780Gly).

NM_033004.4(NLRP1):c.2338A>G (p.Ser780Gly)

Gene: NLRP1 (NLR family pyrin domain containing 1; minus strand). Cytogenetic location: 17p13.2.
Variant type: single nucleotide variant.
Coding change: c.2338A>G on transcript NM_033004.4 (MANE Select); coding-DNA position 2338, A replaced by G.
Protein change: p.Ser780Gly; replaces serine 780 with glycine.
Molecular consequence: missense variant.
Genome position (GRCh38, 1-based): chr17:5,558,358, T>C on the plus strand (A>G on the coding strand, the complement: NLRP1 is on the minus strand). VCF-style: chr17-5558358-T-C. GRCh37 (hg19) VCF-style: chr17-5461678-T-C.
Other names: c.2338A>G, p.Ser780Gly (NM_001033053.3, NM_014922.5, NM_033006.4 and 1 more transcripts); short protein forms S780G.
Identifiers: ClinVar variation 2065048 (VCV002065048.4), dbSNP rs780401839, ClinGen allele CA8327209.
Genomic context (GRCh38, chr17:5,558,358, plus strand): 5'-CTGACAGAGGAGCTGCAGACATGGGTGGTTTGGGTACTCACAGGACTACCATGGTGGGGC[T>C]CCATGTTGATCTGTGCTGCCTGCCCTCAATCAGCTGAAGCTTCTTCACGTGGCGGCTGAA-3'
Protein context (NP_127497.1, residues 770-790): IEGRQHRSTW[Ser780Gly]PTMVVLFRWV